The following is an entry in ClinVar:

ClinVar aggregate classification (germline): Conflicting classifications of pathogenicity. Review status: criteria provided, conflicting classifications (1 of 4 stars). 3 submissions from 3 submitters: Uncertain significance (2); Likely benign (1). Last evaluated 2026-06-27.

Conditions:
AEBP1-related disorder. Also called: AEBP1-related condition.

Allele frequency attached by ClinVar (database versions not stated): gnomAD exomes 0.00004; ExAC 0.00022; 1000 Genomes Project 0.00040; gnomAD 0.00047; TOPMed 0.00049; 1000 Genomes Project 30x 0.00078.
gnomAD v4.1: 128 of 1,600,160 alleles (0.008%); highest among the groups gnomAD compares: African/African-American, 0.15%; no homozygotes.

Submissions (3):

PreventionGenetics, part of Exact Sciences
Classification: Likely benign for AEBP1-related condition. Last evaluated: 2026-06-27. Review status: criteria provided, single submitter. Criteria: ACMG Guidelines, 2015. Collection method: clinical testing. Allele origin: germline.
Comment: This variant is classified as likely benign based on ACMG/AMP sequence variant interpretation guidelines (Richards et al. 2015 PMID: 25741868, with internal and published modifications).

Mayo Clinic Laboratories, Mayo Clinic
Classification: Uncertain significance. Last evaluated: 2025-08-07. Review status: criteria provided, single submitter. Criteria: ACMG Guidelines, 2015. Collection method: clinical testing. Allele origin: germline. Observed: 2 variant alleles.
Comment: BS1

GeneDx
Classification: Uncertain significance. Last evaluated: 2025-03-25. Review status: criteria provided, single submitter. Criteria: GeneDx Variant Classification Process June 2021. Collection method: clinical testing. Allele origin: germline.
Comment: In silico analysis supports that this missense variant has a deleterious effect on protein structure/function; Has not been previously published as pathogenic or benign to our knowledge

NM_001129.5(AEBP1):c.557C>A (p.Pro186His)

Gene: AEBP1 (AE binding protein 1; plus strand). Cytogenetic location: 7p13.
Variant type: single nucleotide variant.
Coding change: c.557C>A on transcript NM_001129.5 (MANE Select); coding-DNA position 557, C replaced by A.
Protein change: p.Pro186His; replaces proline 186 with histidine.
Molecular consequence: missense variant.
Genome position (GRCh38, 1-based): chr7:44,106,849, C>A. VCF-style: chr7-44106849-C-A. GRCh37 (hg19) VCF-style: chr7-44146448-C-A.
Other names: p.Pro186His; short protein forms P186H.
Identifiers: ClinVar variation 2662385 (VCV002662385.5), dbSNP rs551362478, ClinGen allele CA4237500.